The following is an entry in ClinVar:

ClinVar aggregate classification (germline): Benign. Review status: criteria provided, multiple submitters, no conflicts (2 of 4 stars). 2 submissions from 2 submitters: Benign (2). Last evaluated 2018-01-13.

Conditions:
Hypercholanemia, familial 1 (FHCA1). Identifiers: Orphanet 238475, MedGen C5542604, MONDO:0031446, OMIM 607748.

Allele frequency attached by ClinVar (database versions not stated): gnomAD exomes 0.12119; gnomAD 0.15434 and 0.15466; TOPMed 0.15716.

Submissions (2):

Illumina Laboratory Services, Illumina
Classification: Benign for Hypercholanemia, familial 1. Last evaluated: 2018-01-13. Review status: criteria provided, single submitter. Criteria: ICSL Variant Classification Criteria 13 December 2019. Collection method: clinical testing. Allele origin: germline.
Comment: This variant was observed in the ICSL laboratory as part of a predisposition screen in an ostensibly healthy population. It had not been previously curated by ICSL or reported in the Human Gene Mutation Database (HGMD: prior to June 1st, 2018), and was therefore a candidate for classification through an automated scoring system. Utilizing variant allele frequency, disease prevalence and penetrance estimates, and inheritance mode, an automated score was calculated to assess if this variant is too frequent to cause the disease. Based on the score and internal cut-off values, a variant classified as benign is not then subjected to further curation. The score for this variant resulted in a classification of benign for this disease.

Breakthrough Genomics
Classification: Benign. Review status: criteria provided, single submitter. Criteria: ACMG Guidelines, 2015. Collection method: not provided. Allele origin: germline. Inheritance: Autosomal recessive inheritance. Affected: yes.

NM_001701.4(BAAT):c.*589C>T

Gene: BAAT (bile acid-CoA:amino acid N-acyltransferase; minus strand). Cytogenetic location: 9q31.1.
Variant type: single nucleotide variant.
Coding change: c.*589C>T on transcript NM_001701.4 (MANE Select); 589 bases downstream of the stop codon, C replaced by T.
Molecular consequence: 3 prime UTR variant.
Genome position (GRCh38, 1-based): chr9:101,361,839, G>A on the plus strand (C>T on the coding strand, the complement: BAAT is on the minus strand). VCF-style: chr9-101361839-G-A. GRCh37 (hg19) VCF-style: chr9-104124121-G-A.
Other names: c.*589C>T (NM_001127610.2, NM_001374715.1).
Identifiers: ClinVar variation 364271 (VCV000364271.6), dbSNP rs41274983, ClinGen allele CA10631843.